The following is an entry in ClinVar:

NM_004006.3(DMD):c.923C>A (p.Thr308Asn)

Gene: DMD (dystrophin; minus strand). Cytogenetic location: Xp21.1.
Variant type: single nucleotide variant.
Coding change: c.923C>A on transcript NM_004006.3 (MANE Select); coding-DNA position 923, C replaced by A.
Protein change: p.Thr308Asn; replaces threonine 308 with asparagine.
Molecular consequence: missense variant.
Genome position (GRCh38, 1-based): chrX:32,697,907, G>T on the plus strand (C>A on the coding strand, the complement: DMD is on the minus strand). VCF-style: chrX-32697907-G-T. GRCh37 (hg19) VCF-style: chrX-32716024-G-T.
Other names: c.899C>A, p.Thr300Asn (NM_000109.4); c.911C>A, p.Thr304Asn (NM_004009.3); c.554C>A, p.Thr185Asn (NM_004010.3); short protein forms T308N, T185N, T304N, T300N.
Identifiers: ClinVar variation 497518 (VCV000497518.17), dbSNP rs145064612, ClinGen allele CA10380028.

ClinVar aggregate classification (germline): Conflicting classifications of pathogenicity. Review status: criteria provided, conflicting classifications (1 of 4 stars). 5 submissions from 5 submitters: Uncertain significance (3); Likely benign (1). 1 of the submissions does not count toward it. Last evaluated 2025-12-01.

Conditions:
Duchenne muscular dystrophy (DMD). Also called: MUSCULAR DYSTROPHY, PSEUDOHYPERTROPHIC PROGRESSIVE, DUCHENNE TYPE; Duchenne Muscular Dystrophy (DMD). Identifiers: Orphanet 98896, MedGen C0013264, MONDO:0010679, OMIM 310200.
Cardiovascular phenotype. Identifiers: MedGen CN230736.
Cardiomyopathy (CMYO). Also called: Cardiomyopathies. Identifiers: Orphanet 167848, MedGen C0878544, MONDO:0004994, HP:0001638. Inheritance: Various modes of inheritance.
Becker muscular dystrophy (BMD). Also called: MUSCULAR DYSTROPHY, PSEUDOHYPERTROPHIC PROGRESSIVE, BECKER TYPE; Becker Muscular Dystrophy (BMD). Identifiers: Orphanet 98895, MedGen C0917713, MONDO:0010311, OMIM 300376.
Dystrophin deficiency.

Allele frequency attached by ClinVar (database versions not stated): TOPMed 0.00002; gnomAD 0.00005; ESP Exome Variant Server 0.00028; 1000 Genomes Project 30x 0.00062.
gnomAD v4.1: 17 of 1,207,836 alleles (0.0014%); highest among the groups gnomAD compares: African/African-American, 0.016%; no homozygotes.

Submissions (5):

Labcorp Genetics (formerly Invitae), Labcorp
Classification: Uncertain significance for Duchenne muscular dystrophy. Last evaluated: 2025-12-01. Review status: criteria provided, single submitter. Criteria: Invitae Variant Classification Sherloc (09022015). Collection method: clinical testing. Allele origin: germline.
Comment: This sequence change replaces threonine, which is neutral and polar, with asparagine, which is neutral and polar, at codon 308 of the DMD protein (p.Thr308Asn). This variant is present in population databases (rs145064612, gnomAD 0.02%). This missense change has been observed in individual(s) with DMD-related conditions (internal data). ClinVar contains an entry for this variant (Variation ID: 497518). Invitae Evidence Modeling of protein sequence and biophysical properties (such as structural, functional, and spatial information, amino acid conservation, physicochemical variation, residue mobility, and thermodynamic stability) indicates that this missense variant is not expected to disrupt DMD protein function with a negative predictive value of 95%. In summary, the available evidence is currently insufficient to determine the role of this variant in disease. Therefore, it has been classified as a Variant of Uncertain Significance.

Ambry Genetics
Classification: Likely benign for Cardiovascular phenotype. Last evaluated: 2024-01-29. Review status: criteria provided, single submitter. Criteria: Ambry Variant Classification Scheme 2023. Collection method: clinical testing. Allele origin: germline.

Revvity Omics, Revvity
Classification: Uncertain significance. Last evaluated: 2019-04-27. Review status: criteria provided, single submitter. Criteria: ACMG Guidelines, 2015. Collection method: clinical testing. Allele origin: germline.

Eurofins Ntd Llc (ga)
Classification: Uncertain significance. Last evaluated: 2016-10-04. Review status: criteria provided, single submitter. Criteria: EGL Classification Definitions 2015. Collection method: clinical testing. Allele origin: germline. Observed: 3 variant alleles, 1 heterozygote, 2 hemizygotes.

Natera, Inc.
Classification: Uncertain significance for Becker muscular dystrophy; Cardiomyopathy; Duchenne muscular dystrophy; Dystrophin deficiency. Last evaluated: 2020-04-25. Review status: no assertion criteria provided. Collection method: clinical testing. Allele origin: germline. Not counted in ClinVar's aggregate classification.